The following is an entry in ClinVar:

ClinVar aggregate classification (germline): Uncertain significance (1 of 4 stars; one submission).

Submission:

Labcorp Genetics (formerly Invitae), Labcorp
Classification: Uncertain significance. Last evaluated: 2025-02-25. Review status: criteria provided, single submitter. Criteria: Invitae Variant Classification Sherloc (09022015). Collection method: clinical testing. Allele origin: germline.
Comment: This sequence change replaces glutamic acid, which is acidic and polar, with lysine, which is basic and polar, at codon 969 of the KCNH1 protein (p.Glu969Lys). This variant is not present in population databases (gnomAD no frequency). This variant has not been reported in the literature in individuals affected with KCNH1-related conditions. ClinVar contains an entry for this variant (Variation ID: 2857644). Invitae Evidence Modeling of protein sequence and biophysical properties (such as structural, functional, and spatial information, amino acid conservation, physicochemical variation, residue mobility, and thermodynamic stability) has been performed for this missense variant. However, the output from this modeling did not meet the statistical confidence thresholds required to predict the impact of this variant on KCNH1 protein function. In summary, the available evidence is currently insufficient to determine the role of this variant in disease. Therefore, it has been classified as a Variant of Uncertain Significance.

NM_172362.3(KCNH1):c.2905G>A (p.Glu969Lys)

Gene: KCNH1 (potassium voltage-gated channel subfamily H member 1; minus strand). Cytogenetic location: 1q32.2.
Variant type: single nucleotide variant.
Coding change: c.2905G>A on transcript NM_172362.3 (MANE Select); coding-DNA position 2905, G replaced by A.
Protein change: p.Glu969Lys; replaces glutamic acid 969 with lysine.
Molecular consequence: missense variant.
Genome position (GRCh38, 1-based): chr1:210,683,346, C>T on the plus strand (G>A on the coding strand, the complement: KCNH1 is on the minus strand). VCF-style: chr1-210683346-C-T. GRCh37 (hg19) VCF-style: chr1-210856688-C-T.
Other names: c.2824G>A, p.Glu942Lys (NM_002238.4); short protein forms E969K, E942K.
Identifiers: ClinVar variation 2857644 (VCV002857644.3), dbSNP rs753148526, ClinGen allele CA344870173.
Genomic context (GRCh38, chr1:210,683,346, plus strand): 5'-TGGCTCCAAAAATGTCTCTCTCTGATTCTGGGGACTGTGGCCTCGATATTTCAAACAACT[C>T]CTGAGGAGACTGAGAGGATCTTCTGGAAGTTAATATCCTGAGTATCTCAGAGAGCTGTTT-3'
Protein context (NP_758872.1, residues 959-979): TSRRSSQSPQ[Glu969Lys]LFEISRPQSP